The following is an entry in ClinVar:

NM_052872.4(IL17F):c.345C>A (p.Asp115Glu)

Gene: IL17F (interleukin 17F; minus strand). Cytogenetic location: 6p12.2.
Variant type: single nucleotide variant.
Coding change: c.345C>A on transcript NM_052872.4 (MANE Select); coding-DNA position 345, C replaced by A.
Protein change: p.Asp115Glu; replaces aspartic acid 115 with glutamic acid.
Molecular consequence: missense variant.
Genome position (GRCh38, 1-based): chr6:52,237,078, G>T on the plus strand (C>A on the coding strand, the complement: IL17F is on the minus strand). VCF-style: chr6-52237078-G-T. GRCh37 (hg19) VCF-style: chr6-52101876-G-T.
Other names: c.345C>A (NM_052872.3); short protein forms D115E.
Identifiers: ClinVar variation 1407458 (VCV001407458.9), dbSNP rs137981743, ClinGen allele CA3854373.

ClinVar aggregate classification (germline): Uncertain significance. Review status: criteria provided, multiple submitters, no conflicts (2 of 4 stars). 2 submissions from 2 submitters: Uncertain significance (2). Last evaluated 2025-12-06.

Conditions:
Candidiasis, familial, 6 (CANDF6). Also called: Candidiasis, familial, 6, autosomal dominant. Identifiers: Orphanet 1334, MedGen C3151405, MONDO:0013503, OMIM 613956.

gnomAD v4.1: 22 of 1,614,230 alleles (0.0014%); highest among the groups gnomAD compares: South Asian, 0.0044%; no homozygotes.

Submissions (2):

Labcorp Genetics (formerly Invitae), Labcorp
Classification: Uncertain significance for Candidiasis, familial, 6. Last evaluated: 2025-12-06. Review status: criteria provided, single submitter. Criteria: Invitae Variant Classification Sherloc (09022015). Collection method: clinical testing. Allele origin: germline.
Comment: This sequence change replaces aspartic acid, which is acidic and polar, with glutamic acid, which is acidic and polar, at codon 115 of the IL17F protein (p.Asp115Glu). This variant is present in population databases (rs137981743, gnomAD 0.006%). This variant has not been reported in the literature in individuals affected with IL17F-related conditions. ClinVar contains an entry for this variant (Variation ID: 1407458). An algorithm developed to predict the effect of missense changes on protein structure and function (PolyPhen-2) suggests that this variant is likely to be tolerated. In summary, the available evidence is currently insufficient to determine the role of this variant in disease. Therefore, it has been classified as a Variant of Uncertain Significance.

Ambry Genetics
Classification: Uncertain significance. Last evaluated: 2025-02-20. Review status: criteria provided, single submitter. Criteria: Ambry Variant Classification Scheme 2023. Collection method: clinical testing. Allele origin: germline.